The following is an entry in ClinVar:

ClinVar aggregate classification (germline): Uncertain significance (1 of 4 stars; one submission).

Conditions:
Ichthyosis linearis circumflexa. Identifiers: MedGen C0265962, MONDO:0043106, HP:0025810.

Allele frequency attached by ClinVar (database versions not stated): gnomAD exomes below 0.00001; ExAC 0.00001.
gnomAD v4.1: 1 of 1,612,114 alleles (0.000062%); highest among the groups gnomAD compares: Non-Finnish European, 0.000085%; no homozygotes.

Submission:

Labcorp Genetics (formerly Invitae), Labcorp
Classification: Uncertain significance for Ichthyosis linearis circumflexa. Last evaluated: 2021-07-08. Review status: criteria provided, single submitter. Criteria: Invitae Variant Classification Sherloc (09022015). Collection method: clinical testing. Allele origin: germline.
Comment: This variant is present in population databases (rs766287346, ExAC 0.01%). This variant has not been reported in the literature in individuals affected with SPINK5-related conditions. Algorithms developed to predict the effect of missense changes on protein structure and function (SIFT, PolyPhen-2, Align-GVGD) all suggest that this variant is likely to be tolerated. In summary, the available evidence is currently insufficient to determine the role of this variant in disease. Therefore, it has been classified as a Variant of Uncertain Significance. This sequence change replaces threonine with arginine at codon 276 of the SPINK5 protein (p.Thr276Arg). The threonine residue is weakly conserved and there is a moderate physicochemical difference between threonine and arginine.

NM_006846.4(SPINK5):c.827C>G (p.Thr276Arg)

Gene: SPINK5 (serine peptidase inhibitor Kazal type 5; plus strand). Cytogenetic location: 5q32.
Variant type: single nucleotide variant.
Coding change: c.827C>G on transcript NM_006846.4 (MANE Select); coding-DNA position 827, C replaced by G.
Protein change: p.Thr276Arg; replaces threonine 276 with arginine.
Molecular consequence: missense variant.
Genome position (GRCh38, 1-based): chr5:148,095,850, C>G. VCF-style: chr5-148095850-C-G. GRCh37 (hg19) VCF-style: chr5-147475413-C-G.
Other names: c.827C>G, p.Thr276Arg (NM_001127698.2, NM_001127699.2); short protein forms T276R.
Identifiers: ClinVar variation 1483988 (VCV001483988.8), dbSNP rs766287346, ClinGen allele CA3495375.